The following is an entry in ClinVar:

NM_144687.4(NLRP12):c.369A>T (p.Lys123Asn)

Gene: NLRP12 (NLR family pyrin domain containing 12; minus strand). Cytogenetic location: 19q13.42.
Variant type: single nucleotide variant.
Coding change: c.369A>T on transcript NM_144687.4 (MANE Select); coding-DNA position 369, A replaced by T.
Protein change: p.Lys123Asn; replaces lysine 123 with asparagine.
Molecular consequence: missense variant.
Genome position (GRCh38, 1-based): chr19:53,814,909, T>A on the plus strand (A>T on the coding strand, the complement: NLRP12 is on the minus strand). VCF-style: chr19-53814909-T-A. GRCh37 (hg19) VCF-style: chr19-54318163-T-A.
Other names: c.369A>T, p.Lys123Asn (NM_001277126.2, NM_001277129.1); short protein forms K123N.
Identifiers: ClinVar variation 4726518 (VCV004726518.1).
Genomic context (GRCh38, chr19:53,814,909, plus strand): 5'-CCGTGGGGTCAGCTGCTCTGTGTAGATGAATACATGTAGGTACATGGCTTGAGGCTCACC[T>A]TTTCTTGGAGTGACAAGAGAGACTTCCAGAAGGCATGTTGACTGGTTCCCAAGTGAGGAC-3'
Protein context (NP_653288.1, residues 113-133): LLEVSLVTPR[Lys123Asn]DPQETYRDYV

ClinVar aggregate classification (germline): Uncertain significance (1 of 4 stars; one submission).

Conditions:
Familial cold autoinflammatory syndrome 2 (FCAS2). Identifiers: Orphanet 247868, MedGen C2673198, MONDO:0012724, OMIM 611762.

Submission:

Labcorp Genetics (formerly Invitae), Labcorp
Classification: Uncertain significance for Familial cold autoinflammatory syndrome 2. Last evaluated: 2025-09-03. Review status: criteria provided, single submitter. Criteria: Invitae Variant Classification Sherloc (09022015). Collection method: clinical testing. Allele origin: germline.
Comment: This sequence change replaces lysine, which is basic and polar, with asparagine, which is neutral and polar, at codon 123 of the NLRP12 protein (p.Lys123Asn). This variant is not present in population databases (gnomAD no frequency). This variant has not been reported in the literature in individuals affected with NLRP12-related conditions. An algorithm developed to predict the effect of missense changes on protein structure and function (PolyPhen-2) suggests that this variant is likely to be tolerated. In summary, the available evidence is currently insufficient to determine the role of this variant in disease. Therefore, it has been classified as a Variant of Uncertain Significance.